The following is an entry in ClinVar:

ClinVar aggregate classification (germline): Uncertain significance (1 of 4 stars; one submission).

Conditions:
Baller-Gerold syndrome (BGS). Also called: CRANIOSYNOSTOSIS WITH RADIAL DEFECTS. Identifiers: Orphanet 1225, MedGen C0265308, MONDO:0009039, OMIM 218600.

Allele frequency attached by ClinVar (database versions not stated): TOPMed below 0.00001.

Submission:

Labcorp Genetics (formerly Invitae), Labcorp
Classification: Uncertain significance for Baller-Gerold syndrome. Last evaluated: 2022-10-24. Review status: criteria provided, single submitter. Criteria: Invitae Variant Classification Sherloc (09022015). Collection method: clinical testing. Allele origin: germline.
Comment: In summary, the available evidence is currently insufficient to determine the role of this variant in disease. Therefore, it has been classified as a Variant of Uncertain Significance. Advanced modeling of protein sequence and biophysical properties (such as structural, functional, and spatial information, amino acid conservation, physicochemical variation, residue mobility, and thermodynamic stability) performed at Invitae indicates that this missense variant is expected to disrupt RECQL4 protein function. ClinVar contains an entry for this variant (Variation ID: 1036859). This variant has not been reported in the literature in individuals affected with RECQL4-related conditions. This variant is not present in population databases (gnomAD no frequency). This sequence change replaces alanine, which is neutral and non-polar, with threonine, which is neutral and polar, at codon 1161 of the RECQL4 protein (p.Ala1161Thr).

NM_004260.4(RECQL4):c.3481G>A (p.Ala1161Thr)

Gene: RECQL4 (RecQ like helicase 4; minus strand). Cytogenetic location: 8q24.3.
Variant type: single nucleotide variant.
Coding change: c.3481G>A on transcript NM_004260.4 (MANE Select); coding-DNA position 3481, G replaced by A.
Protein change: p.Ala1161Thr; replaces alanine 1161 with threonine.
Molecular consequence: missense variant.
Genome position (GRCh38, 1-based): chr8:144,511,702, C>T on the plus strand (G>A on the coding strand, the complement: RECQL4 is on the minus strand). VCF-style: chr8-144511702-C-T. GRCh37 (hg19) VCF-style: chr8-145737085-C-T.
Other names: short protein forms A1161T.
Identifiers: ClinVar variation 1036859 (VCV001036859.5), dbSNP rs916484589, ClinGen allele CA187678598.